The following is an entry in ClinVar:

ClinVar aggregate classification (germline): Conflicting classifications of pathogenicity. Review status: criteria provided, conflicting classifications (1 of 4 stars). 3 submissions from 3 submitters: Uncertain significance (2); Likely benign (1). Last evaluated 2026-05-01.

Conditions:
CIC-related disorder. Also called: CIC-related condition.

Allele frequency attached by ClinVar (database versions not stated): gnomAD 0.00007 and 0.00008; TOPMed 0.00008; gnomAD exomes 0.00009.
gnomAD v4.1: 32 of 398,948 alleles (0.008%); highest among the groups gnomAD compares: Non-Finnish European, 0.012%; no homozygotes.

Submissions (3):

CeGaT Center for Human Genetics Tuebingen
Classification: Likely benign. Last evaluated: 2026-05-01. Review status: criteria provided, single submitter. Criteria: CeGaT Center For Human Genetics Tuebingen Variant Classification Criteria Version 2. Collection method: clinical testing. Allele origin: germline. Affected: yes. Observed: 3 variant alleles.
Comment: CIC: BS2

PreventionGenetics, part of Exact Sciences
Classification: Uncertain significance for CIC-related condition. Last evaluated: 2025-01-03. Review status: criteria provided, single submitter. Criteria: ACMG Guidelines, 2015. Collection method: clinical testing. Allele origin: germline.
Comment: The CIC c.133G>A variant is predicted to result in the amino acid substitution p.Asp45Asn. To our knowledge, this variant has not been reported in the literature. This variant is reported in 0.0065% of alleles in individuals of European (Non-Finnish) descent in gnomAD. At this time, the clinical significance of this variant is uncertain due to the absence of conclusive functional and genetic evidence.

Mendelics
Classification: Uncertain significance. Last evaluated: 2022-05-04. Review status: criteria provided, single submitter. Criteria: Mendelics Assertion Criteria 2019. Collection method: clinical testing. Allele origin: germline.

NM_001386298.1(CIC):c.133G>A (p.Asp45Asn)

Gene: CIC (capicua transcriptional repressor; plus strand). Cytogenetic location: 19q13.2.
Variant type: single nucleotide variant.
Coding change: c.133G>A on transcript NM_001386298.1 (MANE Select); coding-DNA position 133, G replaced by A.
Protein change: p.Asp45Asn; replaces aspartic acid 45 with asparagine.
Molecular consequence: missense variant.
Genome position (GRCh38, 1-based): chr19:42,271,916, G>A. VCF-style: chr19-42271916-G-A. GRCh37 (hg19) VCF-style: chr19-42776068-G-A.
Other names: c.133G>A, p.Asp45Asn (NM_001304815.2, NM_001379480.1, NM_001379482.1); c.133G>A (NM_001304815.1); short protein forms D45N.
Identifiers: ClinVar variation 1686567 (VCV001686567.33), dbSNP rs1044899707, ClinGen allele CA308614324.